The following is an entry in ClinVar:

NM_152296.5(ATP1A3):c.946G>A (p.Gly316Ser)

Gene: ATP1A3 (ATPase Na+/K+ transporting subunit alpha 3; minus strand). Cytogenetic location: 19q13.2.
Variant type: single nucleotide variant.
Coding change: c.946G>A on transcript NM_152296.5 (MANE Select); coding-DNA position 946, G replaced by A.
Protein change: p.Gly316Ser; replaces glycine 316 with serine.
Molecular consequence: missense variant.
Genome position (GRCh38, 1-based): chr19:41,984,965, C>T on the plus strand (G>A on the coding strand, the complement: ATP1A3 is on the minus strand). VCF-style: chr19-41984965-C-T. GRCh37 (hg19) VCF-style: chr19-42489117-C-T.
Other names: p.Gly316Ser; c.979G>A, p.Gly327Ser (NM_001256213.2); c.985G>A, p.Gly329Ser (NM_001256214.2); c.985G>A (NM_001256214.1); short protein forms G316S, G327S, G329S.
Identifiers: ClinVar variation 225200 (VCV000225200.9), dbSNP rs869320661, ClinGen allele CA358802.
Genomic context (GRCh38, chr19:41,984,965, plus strand): 5'-AGCCTGGCCTTACAGTGACAGTGGCCAGCAGACCCTCTGGGACATTGGCCACGATGATGC[C>T]GATGAGGAAGATGACAGCCTCAAGCCAGGTGTATCCGAGAATGAGGGAGAGGATGAAGAA-3'
Protein context (NP_689509.1, residues 306-326): TWLEAVIFLI[Gly316Ser]IIVANVPEGL

ClinVar aggregate classification (germline): Pathogenic. Review status: criteria provided, multiple submitters, no conflicts (2 of 4 stars). 5 submissions from 5 submitters: Pathogenic (3). 2 of the submissions do not count toward it. Last evaluated 2025-11-22.

Conditions:
ATP1A3-related disorder. Also called: ATP1A3-related disorders; ATP1A3-related condition. Identifiers: MedGen CN381097.
Dystonia 12 (DYT12). Also called: DYT-ATP1A3; Rapid-Onset Dystonia-Parkinsonism (RDP). Identifiers: Orphanet 71517, MedGen C1868681, MONDO:0007496, OMIM 128235.

Submissions (5):

Mayo Clinic Laboratories, Mayo Clinic
Classification: Pathogenic. Last evaluated: 2025-11-22. Review status: criteria provided, single submitter. Criteria: ACMG Guidelines, 2015. Collection method: clinical testing. Allele origin: germline. Observed: 1 variant allele.
Comment: PP2, PP3, PM2_supporting, PS2, PS3

Labcorp Genetics (formerly Invitae), Labcorp
Classification: Pathogenic for Dystonia 12. Last evaluated: 2024-01-22. Review status: criteria provided, single submitter. Criteria: Invitae Variant Classification Sherloc (09022015). Collection method: clinical testing. Allele origin: germline.
Comment: This sequence change replaces glycine, which is neutral and non-polar, with serine, which is neutral and polar, at codon 316 of the ATP1A3 protein (p.Gly316Ser). This variant is not present in population databases (gnomAD no frequency). This missense change has been observed in individual(s) with clinical features of ATP1A3-related conditions (PMID: 26990090). In at least one individual the variant was observed to be de novo. ClinVar contains an entry for this variant (Variation ID: 225200). Advanced modeling of protein sequence and biophysical properties (such as structural, functional, and spatial information, amino acid conservation, physicochemical variation, residue mobility, and thermodynamic stability) performed at Invitae indicates that this missense variant is expected to disrupt ATP1A3 protein function with a positive predictive value of 95%. For these reasons, this variant has been classified as Pathogenic.

Rady Children's Institute for Genomic Medicine, Rady Children's Hospital San Diego
Classification: Pathogenic for ATP1A3-Related Disorders. Review status: criteria provided, single submitter. Criteria: ACMG Guidelines, 2015. Collection method: clinical testing. Allele origin: germline. Affected: yes.
Comment: This variant has been previously reported as a de novo change in a patient with adult rapid-onset ataxia (PMID: 26990090). In vivo studies in an animal model of this variant demonstrated that the variant leads to impaired function of the neuromuscular junction (PMID: 27936181) It is absent from the gnomAD population database and thus is presumed to be rare. The c.985G>A (p.Gly329Ser) variant affects a highly conserved amino acid and is predicted by multiple in silico tools to have a deleterious effect on protein function. Analysis of the parental samples was negative for the variant, indicating this variant likely occurred as a de novo event. Based on the available evidence, the c.985G>A (p.Gly329Ser) variant is classified as Pathogenic.

OMIM
Classification: Pathogenic for DYSTONIA 12. Last evaluated: 2017-04-07. Review status: no assertion criteria provided. Collection method: literature only. Allele origin: germline. Not counted in ClinVar's aggregate classification.

GeneReviews
No classification provided. Condition: Dystonia 12. Review status: no classification provided. Collection method: literature only. Allele origin: germline. Not counted in ClinVar's aggregate classification.

Literature cited by the submitters: PubMed 26990090 (cited by 3 submitters); PubMed 27936181 (cited by Mayo Clinic Laboratories, Mayo Clinic); PubMed 30363590 (cited by Mayo Clinic Laboratories, Mayo Clinic); NCBI Bookshelf NBK1115 (cited by GeneReviews).